The following is an entry in ClinVar:

ClinVar aggregate classification (germline): Likely pathogenic (1 of 4 stars; one submission).

Conditions:
Delayed puberty, self-limited. Also called: CONSTITUTIONAL DELAY OF PUBERTY. Identifiers: MedGen C2874202, MONDO:0859205, OMIM 619613.

Allele frequency attached by ClinVar (database versions not stated): gnomAD exomes below 0.00001.

Submission:

Centre for Endocrinology, Queen Mary University of London
Classification: Likely pathogenic for Delayed puberty, self-limited. Last evaluated: 2023-07-05. Review status: criteria provided, single submitter. Criteria: Submitter's publication. Collection method: research. Allele origin: inherited, not applicable. Inheritance: Autosomal dominant inheritance. Affected: yes. Observed: 6 variant alleles, 6 heterozygotes. Clinical features observed: Delayed puberty (HP:0000823). Functional consequence: effect on protein subcellular localization.
Comment: The Ile423Thr variant has been reported in 3 Finnish families with autosomal dominant self-limited delayed puberty segregating with disease in 4 affected relatives (Lettieri 2023 in review Nat Comm) and is absent from large population studies. Additionally, in vitro functional studies indicate that the Ile423Thr variant disrupts protein stability and subcellular localisation (Lettieri 2023 in review Nat Comm). Thus, the Ile423Thr variant meets our criteria to be classified as pathogenic based upon segregation, absence from controls and functional evidence.

NM_020796.5(SEMA6A):c.1268T>C (p.Ile423Thr)

Gene: SEMA6A (semaphorin 6A; minus strand). Cytogenetic location: 5q23.1.
Variant type: single nucleotide variant.
Coding change: c.1268T>C on transcript NM_020796.5 (MANE Select); coding-DNA position 1268, T replaced by C.
Protein change: p.Ile423Thr; replaces isoleucine 423 with threonine.
Molecular consequence: missense variant.
Genome position (GRCh38, 1-based): chr5:116,478,701, A>G on the plus strand (T>C on the coding strand, the complement: SEMA6A is on the minus strand). VCF-style: chr5-116478701-A-G. GRCh37 (hg19) VCF-style: chr5-115814397-A-G.
Other names: c.1268T>C, p.Ile423Thr (NM_001300780.2); short protein forms I423T.
Identifiers: ClinVar variation 2571587 (VCV002571587.4), dbSNP rs2532375845, ClinGen allele CA360674880.
Genomic context (GRCh38, chr5:116,478,701, plus strand): 5'-TCTGATCCCAGAAAAACCACAGTGTGATTCTGATATGGCCCAGCAGCTGTGTCCACTGCA[A>G]TTTTGGTAAGGCGGTATCTAAAATGACAGGACCACATTTCTTATCTCTTTGTTGGTCTAT-3'
Protein context (NP_065847.1, residues 413-433): RTMVRYRLTK[Ile423Thr]AVDTAAGPYQ